The following is an entry in ClinVar:

NM_001100.4(ACTA1):c.410C>A (p.Ala137Asp)

Gene: ACTA1 (actin alpha 1, skeletal muscle; minus strand). Cytogenetic location: 1q42.13.
Variant type: single nucleotide variant.
Coding change: c.410C>A on transcript NM_001100.4 (MANE Select); coding-DNA position 410, C replaced by A.
Protein change: p.Ala137Asp; replaces alanine 137 with aspartic acid.
Molecular consequence: missense variant.
Genome position (GRCh38, 1-based): chr1:229,432,600, G>T on the plus strand (C>A on the coding strand, the complement: ACTA1 is on the minus strand). VCF-style: chr1-229432600-G-T. GRCh37 (hg19) VCF-style: chr1-229568347-G-T.
Other names: short protein forms A137D.
Identifiers: ClinVar variation 1919298 (VCV001919298.6), dbSNP rs2527438906, ClinGen allele CA345149295.

ClinVar aggregate classification (germline): Uncertain significance. Review status: criteria provided, multiple submitters, no conflicts (2 of 4 stars). 2 submissions from 2 submitters: Uncertain significance (2). Last evaluated 2024-03-27.

Conditions:
Actin accumulation myopathy (CMYO2A). Also called: Myopathy, actin, congenital, with cores; Nemaline myopathy 3, with intranuclear rods; Nemaline myopathy type 3; Myopathy, actin, congenital, with excess of thin myofilaments; CONGENITAL MYOPATHY 2A, TYPICAL, AUTOSOMAL DOMINANT. Identifiers: Orphanet 98904, MedGen C3711389, MONDO:0008070, OMIM 161800.

Submissions (2):

Labcorp Genetics (formerly Invitae), Labcorp
Classification: Uncertain significance for Actin accumulation myopathy. Last evaluated: 2024-03-27. Review status: criteria provided, single submitter. Criteria: Invitae Variant Classification Sherloc (09022015). Collection method: clinical testing. Allele origin: germline.
Comment: This sequence change replaces alanine, which is neutral and non-polar, with aspartic acid, which is acidic and polar, at codon 137 of the ACTA1 protein (p.Ala137Asp). This variant is not present in population databases (gnomAD no frequency). This variant has not been reported in the literature in individuals affected with ACTA1-related conditions. ClinVar contains an entry for this variant (Variation ID: 1919298). Advanced modeling of protein sequence and biophysical properties (such as structural, functional, and spatial information, amino acid conservation, physicochemical variation, residue mobility, and thermodynamic stability) has been performed at Invitae for this missense variant, however the output from this modeling did not meet the statistical confidence thresholds required to predict the impact of this variant on ACTA1 protein function. In summary, the available evidence is currently insufficient to determine the role of this variant in disease. Therefore, it has been classified as a Variant of Uncertain Significance.

Blueprint Genetics
Classification: Uncertain significance. Last evaluated: 2018-04-20. Review status: criteria provided, single submitter. Criteria: ACMG Guidelines, 2015. Collection method: clinical testing. Allele origin: germline.